The following is an entry in ClinVar:

ClinVar aggregate classification (germline): Likely benign. Review status: criteria provided, multiple submitters, no conflicts (2 of 4 stars). 4 submissions from 4 submitters: Likely benign (4). Last evaluated 2025-08-11.

Conditions:
Early-infantile DEE. Also called: Ohtahara syndrome; Early infantile epileptic encephalopathy; Early infantile epileptic encephalopathy with suppression bursts. Identifiers: Orphanet 1934, MedGen C0393706, MONDO:0800491.
Inborn genetic diseases. Identifiers: MedGen C0950123, MeSH D030342.

Allele frequency attached by ClinVar (database versions not stated): ExAC 0.00001; gnomAD exomes 0.00001 and 0.00002; TOPMed 0.00002.
gnomAD v4.1: 34 of 1,614,166 alleles (0.0021%); highest among the groups gnomAD compares: African/African-American, 0.019%; no homozygotes.

Submissions (4):

Labcorp Genetics (formerly Invitae), Labcorp
Classification: Likely benign for Early-infantile DEE. Last evaluated: 2025-08-11. Review status: criteria provided, single submitter. Criteria: Invitae Variant Classification Sherloc (09022015). Collection method: clinical testing. Allele origin: germline.

CeGaT Center for Human Genetics Tuebingen
Classification: Likely benign. Last evaluated: 2024-10-01. Review status: criteria provided, single submitter. Criteria: CeGaT Center For Human Genetics Tuebingen Variant Classification Criteria Version 2. Collection method: clinical testing. Allele origin: germline. Affected: yes. Observed: 1 variant allele.
Comment: SPTAN1: BP4, BP7

Blueprint Genetics
Classification: Likely benign. Last evaluated: 2022-03-08. Review status: criteria provided, single submitter. Criteria: ACMG Guidelines, 2015. Collection method: clinical testing. Allele origin: germline.

Ambry Genetics
Classification: Likely benign for Inborn genetic diseases. Last evaluated: 2017-10-13. Review status: criteria provided, single submitter. Criteria: Ambry Variant Classification Scheme 2023. Collection method: clinical testing. Allele origin: germline.

NM_001130438.3(SPTAN1):c.6300C>G (p.Thr2100=)

Gene: SPTAN1 (spectrin alpha, non-erythrocytic 1; plus strand). Cytogenetic location: 9q34.11.
Variant type: single nucleotide variant.
Coding change: c.6300C>G on transcript NM_001130438.3 (MANE Select); coding-DNA position 6300, C replaced by G.
Protein change: p.Thr2100=; no amino-acid change (threonine 2100 retained).
Molecular consequence: synonymous variant.
Genome position (GRCh38, 1-based): chr9:128,626,411, C>G. VCF-style: chr9-128626411-C-G. GRCh37 (hg19) VCF-style: chr9-131388690-C-G.
Other names: c.6225C>G, p.Thr2075= (NM_001195532.2); c.6300C>G, p.Thr2100= (NM_001363759.2, NM_001375310.1, NM_001375311.2 and 1 more transcripts); c.6240C>G, p.Thr2080= (NM_001363765.2, NM_001375314.2); c.6336C>G, p.Thr2112= (NM_001375312.2, NM_001375318.1); c.6285C>G, p.Thr2095= (NM_003127.4).
Identifiers: ClinVar variation 1161428 (VCV001161428.26), dbSNP rs370624702, ClinGen allele CA5265693.
Genomic context (GRCh38, chr9:128,626,411, plus strand): 5'-GCCCTGGCGACTCCGCCAACTCAGTCTCTTCTGCTTCCAGGTGGAGGACCTCTTCCTGAC[C>G]TTCGCCAAAAAGGCTTCTGCCTTCAACAGCTGGTTTGAAAATGCAGAGGAGGACTTAACA-3'
Protein context (NP_001123910.1, residues 2090-2110): HFRKVEDLFL[Thr2100=]FAKKASAFNS